The following is an entry in ClinVar:

ClinVar aggregate classification (germline): Pathogenic (1 of 4 stars; one submission).

Conditions:
Inborn genetic diseases. Identifiers: MedGen C0950123, MeSH D030342.
Ocular cystinosis. Also called: Non-Nephropathic Cystinosis; Non-Nephropathic (Ocular) Cystinosis. Identifiers: Orphanet 213, Orphanet 411641, MedGen C2931013, MONDO:0009064, OMIM 219750.
Juvenile nephropathic cystinosis. Also called: Intermediate Cystinosis; CYSTINOSIS, LATE-ONSET JUVENILE OR ADOLESCENT NEPHROPATHIC TYPE; Later-Onset (Juvenile) Cystinosis. Identifiers: Orphanet 213, Orphanet 411634, MedGen C0268626, MONDO:0009066, OMIM 219900.

Submission:

Labcorp Genetics (formerly Invitae), Labcorp
Classification: Pathogenic for Inborn genetic diseases; Ocular cystinosis; Juvenile nephropathic cystinosis. Last evaluated: 2023-03-18. Review status: criteria provided, single submitter. Criteria: Invitae Variant Classification Sherloc (09022015). Collection method: clinical testing. Allele origin: germline.
Comment: For these reasons, this variant has been classified as Pathogenic. This variant disrupts the p.Ser139 amino acid residue in CTNS. Other variant(s) that disrupt this residue have been determined to be pathogenic (PMID: 10556299, 15128704, 18178779, 19863563, 31074291). This suggests that this residue is clinically significant, and that variants that disrupt this residue are likely to be disease-causing. Experimental studies have shown that disruption of the initiator codon affects CTNS function (PMID: 15128704). Algorithms developed to predict the effect of variants on protein structure and function are not available or were not evaluated for this variant. ClinVar contains an entry for this variant (Variation ID: 1391189). Disruption of the initiator codon has been observed in individual(s) with clinical features of cystinosis (PMID: 12442267, 19863563, 28793998). In at least one individual the data is consistent with being in trans (on the opposite chromosome) from a pathogenic variant. This variant is not present in population databases (gnomAD no frequency). This sequence change affects the initiator methionine of the CTNS mRNA. The next in-frame methionine is located at codon 148.

Literature cited by the submitters: PubMed 10556299; PubMed 15128704; PubMed 18178779; PubMed 19863563; PubMed 31074291; PubMed 12442267; PubMed 28793998.

NM_004937.3(CTNS):c.1A>T (p.Met1Leu)

Gene: CTNS (cystinosin, lysosomal cystine transporter; plus strand). Cytogenetic location: 17p13.2.
Variant type: single nucleotide variant.
Coding change: c.1A>T on transcript NM_004937.3 (MANE Select); coding-DNA position 1, A replaced by T.
Protein change: p.Met1Leu; changes the start codon (methionine 1).
Molecular consequence: missense variant, initiator codon variant. On other transcripts: 5 prime UTR variant (2), intron variant (2).
Genome position (GRCh38, 1-based): chr17:3,640,207, A>T. VCF-style: chr17-3640207-A-T. GRCh37 (hg19) VCF-style: chr17-3543501-A-T.
Other names: c.1A>T, p.Met1Leu (NM_001031681.3, NM_001374492.1); c.-356A>T (NM_001374493.1); c.-277A>T (NM_001374495.1); c.-381+2891A>T (NM_001374494.1); c.-296+2891A>T (NM_001374496.1); short protein forms M1L.
Identifiers: ClinVar variation 1391189 (VCV001391189.11), dbSNP rs2075650925, ClinGen allele CA397686137.